The following is an entry in ClinVar:

NM_004655.4(AXIN2):c.120G>A (p.Val40=)

Gene: AXIN2 (axin 2; minus strand). Cytogenetic location: 17q24.1.
Variant type: single nucleotide variant.
Coding change: c.120G>A on transcript NM_004655.4 (MANE Select); coding-DNA position 120, G replaced by A.
Protein change: p.Val40=; no amino-acid change (valine 40 retained).
Molecular consequence: synonymous variant.
Genome position (GRCh38, 1-based): chr17:65,558,501, C>T on the plus strand (G>A on the coding strand, the complement: AXIN2 is on the minus strand). VCF-style: chr17-65558501-C-T. GRCh37 (hg19) VCF-style: chr17-63554619-C-T.
Other names: c.120G>A, p.Val40= (NM_001363813.1).
Identifiers: ClinVar variation 1584762 (VCV001584762.11), dbSNP rs2144590786, ClinGen allele CA501691573.

ClinVar aggregate classification (germline): Benign/Likely benign. Review status: criteria provided, multiple submitters, no conflicts (2 of 4 stars). 3 submissions from 3 submitters: Benign (1); Likely benign (2). Last evaluated 2024-06-25.

Conditions:
Hereditary cancer-predisposing syndrome. Also called: Tumor predisposition; Hereditary Cancer Syndrome; Neoplastic Syndromes, Hereditary; Hereditary neoplastic syndrome. Identifiers: Orphanet 140162, MedGen C0027672, MeSH D009386, MONDO:0015356.
Oligodontia-cancer predisposition syndrome. Also called: TOOTH AGENESIS-COLORECTAL CANCER SYNDROME. Identifiers: Orphanet 300576, MedGen C1837750, MONDO:0012075, OMIM 608615. Disease mechanism: loss of function.

Submissions (3):

Myriad Genetics, Inc.
Classification: Benign for Oligodontia-cancer predisposition syndrome. Last evaluated: 2024-06-25. Review status: criteria provided, single submitter. Criteria: Myriad Autosomal Dominant, Autosomal Recessive and X-Linked Classification Criteria (2023). Collection method: clinical testing. Allele origin: unknown.
Comment: This variant is considered benign. This variant is a silent/synonymous amino acid change and it is not expected to impact splicing.

Labcorp Genetics (formerly Invitae), Labcorp
Classification: Likely benign for Oligodontia-cancer predisposition syndrome. Last evaluated: 2023-10-10. Review status: criteria provided, single submitter. Criteria: Invitae Variant Classification Sherloc (09022015). Collection method: clinical testing. Allele origin: germline.

Ambry Genetics
Classification: Likely benign for Hereditary cancer-predisposing syndrome. Last evaluated: 2021-08-15. Review status: criteria provided, single submitter. Criteria: Ambry Variant Classification Scheme 2023. Collection method: clinical testing. Allele origin: germline.